The following is an entry in ClinVar:

NM_001372044.2(SHANK3):c.2869dup (p.Tyr957fs)

Gene: SHANK3 (SH3 and multiple ankyrin repeat domains 3; plus strand). Cytogenetic location: 22q13.33.
Variant type: Duplication.
Coding change: c.2869dup on transcript NM_001372044.2 (MANE Select); coding-DNA position 2869, one base duplicated (T; older notation c.2869dupT).
Protein change: p.Tyr957fs; shifts the reading frame from tyrosine 957.
Molecular consequence: frameshift variant.
Genome position (GRCh38, 1-based): chr22:50,720,477, T duplicated. VCF-style (leftmost placement, unchanged base first): chr22-50720476-G-GT. GRCh37 (hg19) VCF-style: chr22-51158904-G-GT.
Other names: c.2644dup, p.Tyr882Leufs (NM_033517.1); short protein forms Y957fs.
Identifiers: ClinVar variation 1709469 (VCV001709469.2), dbSNP rs2518425246, ClinGen allele CA2580099976.
Genomic context (GRCh38, chr22:50,720,476, plus strand): 5'-GCGCCTGGGCGCGGGCGCTGCCGGCCTGTACGAGCCGGGCGCGGCCCTCGGCCCGCTGCC[G>GT]TATCCCGAGCGGCAGAAGCGCGCGCGCTCCATGATCATCCTGCAGGACTCGGCGCCCGAG-3'

ClinVar aggregate classification (germline): Likely pathogenic (1 of 4 stars; one submission).

Conditions:
Phelan-McDermid syndrome. Also called: TELOMERIC 22q13 MONOSOMY SYNDROME; 22q13.3 deletion syndrome; Phelan-McDermid Syndrome-SHANK3 Related. Identifiers: Orphanet 48652, MedGen C1853490, MONDO:0011652, OMIM 606232.

Submission:

MGZ Medical Genetics Center
Classification: Likely pathogenic for Phelan-McDermid syndrome. Last evaluated: 2022-05-20. Review status: criteria provided, single submitter. Criteria: ACMG Guidelines, 2015. Collection method: clinical testing. Allele origin: germline. Affected: yes. Observed: 1 variant allele.
Comment: ACMG criteria applied: PVS1, PM2_SUP